The following is an entry in ClinVar:

NM_032482.3(DOT1L):c.2594T>C (p.Leu865Pro)

Gene: DOT1L (DOT1 like histone lysine methyltransferase; plus strand). Cytogenetic location: 19p13.3.
Variant type: single nucleotide variant.
Coding change: c.2594T>C on transcript NM_032482.3 (MANE Select); coding-DNA position 2594, T replaced by C.
Protein change: p.Leu865Pro; replaces leucine 865 with proline.
Molecular consequence: missense variant.
Genome position (GRCh38, 1-based): chr19:2,217,821, T>C. VCF-style: chr19-2217821-T-C. GRCh37 (hg19) VCF-style: chr19-2217820-T-C.
Other names: c.2594T>C, p.Leu865Pro (NM_001411141.1); short protein forms L865P.
Identifiers: ClinVar variation 4617912 (VCV004617912.2).

ClinVar aggregate classification (germline): Uncertain significance (1 of 4 stars; one submission).

Conditions:
Inborn genetic diseases. Identifiers: MedGen C0950123, MeSH D030342.

Submission:

Ambry Genetics
Classification: Uncertain significance for Inborn genetic diseases. Last evaluated: 2026-01-05. Review status: criteria provided, single submitter. Criteria: Ambry Variant Classification Scheme 2023. Collection method: clinical testing. Allele origin: germline.
Comment: The c.2594T>C (p.L865P) alteration is located in exon 22 (coding exon 22) of the DOT1L gene. This alteration results from a T to C substitution at nucleotide position 2594, causing the leucine (L) at amino acid position 865 to be replaced by a proline (P). This variant was not reported in population-based cohorts in the Genome Aggregation Database (gnomAD). This amino acid position is highly conserved in available vertebrate species. This missense alteration is located in a region that has a low rate of benign missense variation (Lek, 2016; Firth, 2009). The in silico prediction for this alteration is inconclusive. Based on insufficient or conflicting evidence, the clinical significance of this alteration remains unclear.